The following is an entry in ClinVar:

NM_152564.5(VPS13B):c.2279T>C (p.Ile760Thr)

Gene: VPS13B (vacuolar protein sorting 13 homolog B; plus strand). Cytogenetic location: 8q22.2.
Variant type: single nucleotide variant.
Coding change: c.2279T>C on transcript NM_152564.5 (MANE Select); coding-DNA position 2279, T replaced by C.
Protein change: p.Ile760Thr; replaces isoleucine 760 with threonine.
Molecular consequence: missense variant.
Genome position (GRCh38, 1-based): chr8:99,170,109, T>C. VCF-style: chr8-99170109-T-C. GRCh37 (hg19) VCF-style: chr8-100182337-T-C.
Other names: c.2279T>C, p.Ile760Thr (NM_015243.3, NM_017890.5); short protein forms I760T.
Identifiers: ClinVar variation 4996973 (VCV004996973.1).

ClinVar aggregate classification (germline): Uncertain significance (1 of 4 stars; one submission).

Conditions:
VPS13B-related disorder. Also called: VPS13B-related condition.

gnomAD v4.1: 8 of 1,613,066 alleles (0.0005%); highest among the groups gnomAD compares: Non-Finnish European, 0.00068%; no homozygotes.

Submission:

PreventionGenetics, part of Exact Sciences
Classification: Uncertain significance for VPS13B-related condition. Last evaluated: 2025-07-07. Review status: criteria provided, single submitter. Criteria: ACMG Guidelines, 2015. Collection method: clinical testing. Allele origin: germline.
Comment: The VPS13B c.2279T>C variant is predicted to result in the amino acid substitution p.Ile760Thr. To our knowledge, this variant has not been reported in the literature. This variant is reported in 0.00088% of alleles in individuals of European (Non-Finnish) descent in gnomAD. At this time, the clinical significance of this variant is uncertain due to the absence of conclusive functional and genetic evidence.